The following is an entry in ClinVar:

ClinVar aggregate classification (germline): Benign/Likely benign. Review status: criteria provided, multiple submitters, no conflicts (2 of 4 stars). 5 submissions from 5 submitters: Benign (1); Likely benign (4). Last evaluated 2026-02-03.

Allele frequency attached by ClinVar (database versions not stated): gnomAD exomes 0.00027 and 0.00058; ExAC 0.00105; ESP Exome Variant Server 0.00243; TOPMed 0.00253; gnomAD 0.00255 and 0.00273; 1000 Genomes Project 0.00419; 1000 Genomes Project 30x 0.00422.
gnomAD v4.1: 796 of 1,597,574 alleles (0.05%); highest among the groups gnomAD compares: African/African-American, 0.87%; no homozygotes.

Submissions (5):

Labcorp Genetics (formerly Invitae), Labcorp
Classification: Benign. Last evaluated: 2026-02-03. Review status: criteria provided, single submitter. Criteria: Invitae Variant Classification Sherloc (09022015). Collection method: clinical testing. Allele origin: germline.

CeGaT Center for Human Genetics Tuebingen
Classification: Likely benign. Last evaluated: 2025-07-01. Review status: criteria provided, single submitter. Criteria: CeGaT Center For Human Genetics Tuebingen Variant Classification Criteria Version 2. Collection method: clinical testing. Allele origin: germline. Affected: yes. Observed: 2 variant alleles.
Comment: DOCK6: BP4, BP7

Blueprint Genetics
Classification: Likely benign. Last evaluated: 2024-10-18. Review status: criteria provided, single submitter. Criteria: ACMG Guidelines, 2015. Collection method: clinical testing. Allele origin: germline.

GeneDx
Classification: Likely benign. Last evaluated: 2020-10-16. Review status: criteria provided, single submitter. Criteria: GeneDx Variant Classification Process June 2021. Collection method: clinical testing. Allele origin: germline. Affected: yes.

Breakthrough Genomics
Classification: Likely benign. Review status: criteria provided, single submitter. Criteria: ACMG Guidelines, 2015. Collection method: not provided. Allele origin: germline. Inheritance: Autosomal recessive inheritance. Affected: yes.

NM_020812.4(DOCK6):c.1959C>T (p.Pro653=)

Gene: DOCK6 (dedicator of cytokinesis 6; minus strand). Cytogenetic location: 19p13.2.
Variant type: single nucleotide variant.
Coding change: c.1959C>T on transcript NM_020812.4 (MANE Select); coding-DNA position 1959, C replaced by T.
Protein change: p.Pro653=; no amino-acid change (proline 653 retained).
Molecular consequence: synonymous variant.
Genome position (GRCh38, 1-based): chr19:11,237,653, G>A on the plus strand (C>T on the coding strand, the complement: DOCK6 is on the minus strand). VCF-style: chr19-11237653-G-A. GRCh37 (hg19) VCF-style: chr19-11348329-G-A.
Other names: c.1959C>T, p.Pro653= (NM_001367830.1).
Identifiers: ClinVar variation 785608 (VCV000785608.36), dbSNP rs200269584, ClinGen allele CA9207795.